The following is an entry in ClinVar:

ClinVar aggregate classification (germline): Uncertain significance. Review status: criteria provided, single submitter (1 of 4 stars). 2 submissions from 2 submitters: Uncertain significance (1). 1 of the submissions does not count toward it. Last evaluated 2022-08-16.

Conditions:
Retinal dystrophy. Also called: Inherited retinal dystrophy. Identifiers: Orphanet 71862, MedGen C0854723, MeSH D058499, MONDO:0019118, HP:0000556.

Submissions (2):

Labcorp Genetics (formerly Invitae), Labcorp
Classification: Uncertain significance. Last evaluated: 2022-08-16. Review status: criteria provided, single submitter. Criteria: Invitae Variant Classification Sherloc (09022015). Collection method: clinical testing. Allele origin: germline.
Comment: This sequence change replaces arginine, which is basic and polar, with leucine, which is neutral and non-polar, at codon 40 of the GUCA1A protein (p.Arg40Leu). This variant is present in population databases (rs186171388, gnomAD 0.01%). This missense change has been observed in individual(s) with retinitis pigmentosa (Invitae). ClinVar contains an entry for this variant (Variation ID: 1395052). Algorithms developed to predict the effect of missense changes on protein structure and function are either unavailable or do not agree on the potential impact of this missense change (SIFT: "Not Available"; PolyPhen-2: "Benign"; Align-GVGD: "Not Available"). In summary, the available evidence is currently insufficient to determine the role of this variant in disease. Therefore, it has been classified as a Variant of Uncertain Significance.

Institute of Human Genetics, Univ. Regensburg, Univ. Regensburg
Classification: Likely pathogenic for Retinal dystrophy. Last evaluated: 2012-01-01. Review status: no assertion criteria provided. Criteria: ACMG Guidelines, 2015. Collection method: clinical testing. Allele origin: germline. Affected: yes. Not counted in ClinVar's aggregate classification.

NM_001384910.1(GUCA1A):c.119G>T (p.Arg40Leu)

Genes: GUCA1A (guanylate cyclase activator 1A; plus strand), GUCA1ANB-GUCA1A (GUCA1ANB-GUCA1A readthrough; plus strand). Cytogenetic location: 6p21.1.
Variant type: single nucleotide variant.
Coding change: c.119G>T on transcript NM_001384910.1 (MANE Select); coding-DNA position 119, G replaced by T.
Protein change: p.Arg40Leu; replaces arginine 40 with leucine.
Molecular consequence: missense variant.
Genome position (GRCh38, 1-based): chr6:42,173,732, G>T. VCF-style: chr6-42173732-G-T. GRCh37 (hg19) VCF-style: chr6-42141470-G-T.
Other names: c.119G>T, p.Arg40Leu (NM_000409.5, NM_001319061.2, NM_001319062.2); short protein forms R40L.
Identifiers: ClinVar variation 1395052 (VCV001395052.9), dbSNP rs186171388, ClinGen allele CA3805266.
Genomic context (GRCh38, chr6:42,173,732, plus strand): 5'-AGTGGTACAAGAAGTTCATGACTGAGTGCCCCTCTGGCCAACTCACCCTCTATGAGTTCC[G>T]CCAGTTCTTCGGCCTCAAGAACCTGAGCCCGTCGGCCAGCCAGTACGTGGAACAGATGTT-3'
Protein context (NP_001371839.1, residues 30-50): PSGQLTLYEF[Arg40Leu]QFFGLKNLSP